The following is an entry in ClinVar:

ClinVar aggregate classification (germline): Conflicting classifications of pathogenicity. Review status: criteria provided, conflicting classifications (1 of 4 stars). 4 submissions from 4 submitters: Uncertain significance (1); Benign (1). 2 of the submissions do not count toward it. Last evaluated 2025-12-30.

Conditions:
PSAT1-related disorder. Also called: PSAT1-related condition; PSAT1-related disorders.
Neu-Laxova syndrome 2. Identifiers: Orphanet 2671, Orphanet 583602, MedGen C4015019, MONDO:0014466, OMIM 616038.
PSAT deficiency. Identifiers: Orphanet 284417, MedGen C1970253, MONDO:0012596, OMIM 610992.

Allele frequency attached by ClinVar (database versions not stated): gnomAD 0.00023 and 0.00024; TOPMed 0.00026; ESP Exome Variant Server 0.00031; gnomAD exomes 0.00041; ExAC 0.00042.
gnomAD v4.1: 365 of 1,613,934 alleles (0.023%); highest among the groups gnomAD compares: Non-Finnish European, 0.0052%; 3 homozygotes.

Submissions (4):

Labcorp Genetics (formerly Invitae), Labcorp
Classification: Benign for Neu-Laxova syndrome 2. Last evaluated: 2025-12-30. Review status: criteria provided, single submitter. Criteria: Invitae Variant Classification Sherloc (09022015). Collection method: clinical testing. Allele origin: germline.

Illumina Laboratory Services, Illumina
Classification: Uncertain significance for PSAT deficiency. Last evaluated: 2018-01-12. Review status: criteria provided, single submitter. Criteria: ICSL Variant Classification Criteria 13 December 2019. Collection method: clinical testing. Allele origin: germline.

PreventionGenetics, part of Exact Sciences
Classification: Benign for PSAT1-related condition. Last evaluated: 2019-06-17. Review status: no assertion criteria provided. Collection method: clinical testing. Allele origin: germline. Not counted in ClinVar's aggregate classification.
Comment: This variant is classified as benign based on ACMG/AMP sequence variant interpretation guidelines (Richards et al. 2015 PMID: 25741868, with internal and published modifications).

Dudley Research Group, Pacific Northwest Research Institute
No classification provided. Review status: no classification provided. Collection method: research, in vivo. Allele origin: unknown, not applicable. Functional consequence: functionally_normal. Not counted in ClinVar's aggregate classification.

NM_058179.4(PSAT1):c.700G>T (p.Ala234Ser)

Gene: PSAT1 (phosphoserine aminotransferase 1; plus strand). Cytogenetic location: 9q21.2.
Variant type: single nucleotide variant.
Coding change: c.700G>T on transcript NM_058179.4 (MANE Select); coding-DNA position 700, G replaced by T.
Protein change: p.Ala234Ser; replaces alanine 234 with serine.
Molecular consequence: missense variant.
Genome position (GRCh38, 1-based): chr9:78,308,543, G>T. VCF-style: chr9-78308543-G-T. GRCh37 (hg19) VCF-style: chr9-80923459-G-T.
Other names: c.700G>T, p.Ala234Ser (NM_021154.5); short protein forms A234S.
Identifiers: ClinVar variation 914109 (VCV000914109.16), dbSNP rs145496413, ClinGen allele CA5095693.
Genomic context (GRCh38, chr9:78,308,543, plus strand): 5'-GATGACCTGCTGGGGTTTGCCCTCCGAGAGTGCCCCTCGGTCCTGGAATACAAGGTGCAG[G>T]CTGGAAACAGCTCCTTGTACAACACGCCTCCATGTTTCAGGTAACTCTGGGAGTCAGTCT-3'
Protein context (NP_478059.1, residues 224-244): CPSVLEYKVQ[Ala234Ser]GNSSLYNTPP